The following is an entry in ClinVar:

NM_014908.4(DOLK):c.1166G>A (p.Arg389Gln)

Gene: DOLK (dolichol kinase; minus strand). Cytogenetic location: 9q34.11.
Variant type: single nucleotide variant.
Coding change: c.1166G>A on transcript NM_014908.4 (MANE Select); coding-DNA position 1166, G replaced by A.
Protein change: p.Arg389Gln; replaces arginine 389 with glutamine.
Molecular consequence: missense variant.
Genome position (GRCh38, 1-based): chr9:128,946,138, C>T on the plus strand (G>A on the coding strand, the complement: DOLK is on the minus strand). VCF-style: chr9-128946138-C-T. GRCh37 (hg19) VCF-style: chr9-131708417-C-T.
Other names: short protein forms R389Q.
Identifiers: ClinVar variation 365193 (VCV000365193.15), dbSNP rs201984428, ClinGen allele CA5271615.

ClinVar aggregate classification (germline): Uncertain significance. Review status: criteria provided, multiple submitters, no conflicts (2 of 4 stars). 6 submissions from 6 submitters: Uncertain significance (6). Last evaluated 2026-04-14.

Conditions:
Cardiovascular phenotype. Identifiers: MedGen CN230736.
DK1-congenital disorder of glycosylation. Also called: DK1-CDG; CONGENITAL DISORDER OF GLYCOSYLATION, TYPE Im; CDG Im; DOLK-congenital disorder of glycosylation; Carbohydrate deficient glycoprotein syndrome type 1m; DK1 DEFICIENCY. Identifiers: Orphanet 91131, MedGen C1835849, MONDO:0012556, OMIM 610768.

Allele frequency attached by ClinVar (database versions not stated): TOPMed 0.00004; gnomAD exomes 0.00003 and 0.00009; ExAC 0.00004; gnomAD 0.00004 and 0.00005.

Submissions (6):

GeneDx
Classification: Uncertain significance. Last evaluated: 2026-04-14. Review status: criteria provided, single submitter. Criteria: GeneDx Variant Classification Process June 2021. Collection method: clinical testing. Allele origin: germline.
Comment: In silico analysis suggests that this missense variant does not alter protein structure/function; Has not been previously published as pathogenic or benign to our knowledge

ARUP Laboratories, Molecular Genetics and Genomics, ARUP Laboratories
Classification: Uncertain significance for DK1-congenital disorder of glycosylation. Last evaluated: 2024-07-05. Review status: criteria provided, single submitter. Criteria: ARUP Molecular Germline Variant Investigation Process 2024. Collection method: clinical testing. Allele origin: germline.
Comment: The DOLK c.1166G>A; p.Arg389Gln variant (rs201984428), to our knowledge, is not reported in the medical literature but is reported in ClinVar (Variation ID: 365193). This variant is found in the general population with an overall allele frequency of 0.0088% (22/251426 alleles) in the Genome Aggregation Database (v2.1.1). Computational analyses are uncertain whether this variant is neutral or deleterious (REVEL: 0.250). Due to limited information, the clinical significance of this variant is uncertain at this time.

Ambry Genetics
Classification: Uncertain significance for Cardiovascular phenotype. Last evaluated: 2023-10-27. Review status: criteria provided, single submitter. Criteria: Ambry Variant Classification Scheme 2023. Collection method: clinical testing. Allele origin: germline.
Comment: The p.R389Q variant (also known as c.1166G>A), located in coding exon 1 of the DOLK gene, results from a G to A substitution at nucleotide position 1166. The arginine at codon 389 is replaced by glutamine, an amino acid with highly similar properties. This amino acid position is highly conserved in available vertebrate species. In addition, the in silico prediction for this alteration is inconclusive. Since supporting evidence is limited at this time, the clinical significance of this alteration remains unclear.

Labcorp Genetics (formerly Invitae), Labcorp
Classification: Uncertain significance for DK1-congenital disorder of glycosylation. Last evaluated: 2023-10-10. Review status: criteria provided, single submitter. Criteria: Invitae Variant Classification Sherloc (09022015). Collection method: clinical testing. Allele origin: germline.
Comment: This sequence change replaces arginine, which is basic and polar, with glutamine, which is neutral and polar, at codon 389 of the DOLK protein (p.Arg389Gln). This variant is present in population databases (rs201984428, gnomAD 0.04%). This variant has not been reported in the literature in individuals affected with DOLK-related conditions. ClinVar contains an entry for this variant (Variation ID: 365193). Advanced modeling of protein sequence and biophysical properties (such as structural, functional, and spatial information, amino acid conservation, physicochemical variation, residue mobility, and thermodynamic stability) performed at Invitae indicates that this missense variant is not expected to disrupt DOLK protein function. In summary, the available evidence is currently insufficient to determine the role of this variant in disease. Therefore, it has been classified as a Variant of Uncertain Significance.

Fulgent Genetics
Classification: Uncertain significance for DK1-congenital disorder of glycosylation. Last evaluated: 2021-07-20. Review status: criteria provided, single submitter. Criteria: ACMG Guidelines, 2015. Collection method: clinical testing. Allele origin: unknown.

Illumina Laboratory Services, Illumina
Classification: Uncertain significance for DK1-congenital disorder of glycosylation. Last evaluated: 2018-01-12. Review status: criteria provided, single submitter. Criteria: ICSL Variant Classification Criteria 13 December 2019. Collection method: clinical testing. Allele origin: germline.